The following is an entry in ClinVar:

ClinVar aggregate classification (germline): Likely benign. Review status: criteria provided, multiple submitters, no conflicts (2 of 4 stars). 3 submissions from 3 submitters: Likely benign (3). Last evaluated 2026-07-22.

Conditions:
WNK1-related disorder. Also called: WNK1-related condition.
Inborn genetic diseases. Identifiers: MedGen C0950123, MeSH D030342.
Neuropathy, hereditary sensory and autonomic, type 2A (HSAN2A). Also called: ACROOSTEOLYSIS, GIACCAI TYPE; ACROOSTEOLYSIS, NEUROGENIC; MORVAN DISEASE; NEUROPATHY, CONGENITAL SENSORY; NEUROPATHY, HEREDITARY SENSORY RADICULAR, AUTOSOMAL RECESSIVE; NEUROPATHY, HEREDITARY SENSORY, TYPE IIA. Identifiers: Orphanet 970, MedGen C2752089, MONDO:0024309, OMIM 201300.
Pseudohypoaldosteronism type 2C (PHA2C). Also called: Pseudohypoaldosteronism Type IIC. Identifiers: Orphanet 757, Orphanet 88940, MedGen C1840391, MONDO:0013778, OMIM 614492.

Allele frequency attached by ClinVar (database versions not stated): ExAC 0.00002; gnomAD exomes 0.00002; gnomAD 0.00003 and 0.00004; TOPMed 0.00007.

Submissions (3):

PreventionGenetics, part of Exact Sciences
Classification: Likely benign for WNK1-related condition. Last evaluated: 2026-07-22. Review status: criteria provided, single submitter. Criteria: ACMG Guidelines, 2015. Collection method: clinical testing. Allele origin: germline.
Comment: This variant is classified as likely benign based on ACMG/AMP sequence variant interpretation guidelines (Richards et al. 2015 PMID: 25741868, with internal and published modifications).

Labcorp Genetics (formerly Invitae), Labcorp
Classification: Likely benign for Neuropathy, hereditary sensory and autonomic, type 2A; Pseudohypoaldosteronism type 2C. Last evaluated: 2025-02-11. Review status: criteria provided, single submitter. Criteria: Invitae Variant Classification Sherloc (09022015). Collection method: clinical testing. Allele origin: germline.

Ambry Genetics
Classification: Likely benign for Inborn genetic diseases. Last evaluated: 2024-02-12. Review status: criteria provided, single submitter. Criteria: Ambry Variant Classification Scheme 2023. Collection method: clinical testing. Allele origin: germline.

NM_213655.5(WNK1):c.2409G>A (p.Ala803=)

Gene: WNK1 (WNK lysine deficient protein kinase 1; plus strand). Cytogenetic location: 12p13.33.
Variant type: single nucleotide variant.
Coding change: c.2409G>A on transcript NM_213655.5 (MANE Plus Clinical); coding-DNA position 2409, G replaced by A.
Protein change: p.Ala803=; no amino-acid change (alanine 803 retained).
Molecular consequence: synonymous variant. On other transcripts: intron variant (2).
Genome position (GRCh38, 1-based): chr12:867,880, G>A. VCF-style: chr12-867880-G-A. GRCh37 (hg19) VCF-style: chr12-977046-G-A.
Other names: c.2154G>A, p.Ala718= (NM_001184985.2); c.2140-3385G>A (NM_018979.4, NM_014823.3); c.2409G>A (NM_213655.4); c.2154G>A (NM_001184985.1).
Identifiers: ClinVar variation 1114093 (VCV001114093.11), dbSNP rs759015493, ClinGen allele CA6382171.